The following is an entry in ClinVar:

ClinVar aggregate classification (germline): Benign/Likely benign. Review status: criteria provided, multiple submitters, no conflicts (2 of 4 stars). 3 submissions from 3 submitters: Benign (1); Likely benign (2). Last evaluated 2026-06-23.

Conditions:
Charcot-Marie-Tooth disease dominant intermediate F. Identifiers: Orphanet 352670, MedGen C4749463, MONDO:0014074, OMIM 615185.
GNB4-related disorder. Also called: GNB4-related condition.

Allele frequency attached by ClinVar (database versions not stated): gnomAD 0.00001; ExAC 0.00003; TOPMed 0.00005; gnomAD exomes 0.00007.
gnomAD v4.1: 28 of 1,614,080 alleles (0.0017%); highest among the groups gnomAD compares: Admixed American, 0.03%; no homozygotes.

Submissions (3):

PreventionGenetics, part of Exact Sciences
Classification: Likely benign for GNB4-related condition. Last evaluated: 2026-06-23. Review status: criteria provided, single submitter. Criteria: ACMG Guidelines, 2015. Collection method: clinical testing. Allele origin: germline.
Comment: This variant is classified as likely benign based on ACMG/AMP sequence variant interpretation guidelines (Richards et al. 2015 PMID: 25741868, with internal and published modifications).

Women's Health and Genetics/Laboratory Corporation of America, LabCorp
Classification: Benign. Last evaluated: 2026-02-09. Review status: criteria provided, single submitter. Criteria: LabCorp Variant Classification Summary - May 2015. Collection method: clinical testing. Allele origin: germline.

Labcorp Genetics (formerly Invitae), Labcorp
Classification: Likely benign for Charcot-Marie-Tooth disease dominant intermediate F. Last evaluated: 2024-12-27. Review status: criteria provided, single submitter. Criteria: Invitae Variant Classification Sherloc (09022015). Collection method: clinical testing. Allele origin: germline.

NM_021629.4(GNB4):c.594T>C (p.Thr198=)

Gene: GNB4 (G protein subunit beta 4; minus strand). Cytogenetic location: 3q26.33.
Variant type: single nucleotide variant.
Coding change: c.594T>C on transcript NM_021629.4 (MANE Select); coding-DNA position 594, T replaced by C.
Protein change: p.Thr198=; no amino-acid change (threonine 198 retained).
Molecular consequence: synonymous variant.
Genome position (GRCh38, 1-based): chr3:179,413,517, A>G on the plus strand (T>C on the coding strand, the complement: GNB4 is on the minus strand). VCF-style: chr3-179413517-A-G. GRCh37 (hg19) VCF-style: chr3-179131305-A-G.
Identifiers: ClinVar variation 699304 (VCV000699304.10), dbSNP rs768745441, ClinGen allele CA2712460.